The following is an entry in ClinVar:

NM_001166114.2(PNPLA6):c.193G>A (p.Val65Met)

Gene: PNPLA6 (patatin like domain 6, lysophospholipase; plus strand). Cytogenetic location: 19p13.2.
Variant type: single nucleotide variant.
Coding change: c.193G>A on transcript NM_001166114.2 (MANE Select); coding-DNA position 193, G replaced by A.
Protein change: p.Val65Met; replaces valine 65 with methionine.
Molecular consequence: missense variant.
Genome position (GRCh38, 1-based): chr19:7,535,981, G>A. VCF-style: chr19-7535981-G-A. GRCh37 (hg19) VCF-style: chr19-7600867-G-A.
Other names: c.220G>A, p.Val74Met (NM_001166111.2); c.76G>A, p.Val26Met (NM_001166112.2, NM_001166113.1, NM_006702.5); short protein forms V74M, V65M, V26M.
Identifiers: ClinVar variation 2132537 (VCV002132537.4), dbSNP rs1250896472, ClinGen allele CA403096527.
Genomic context (GRCh38, chr19:7,535,981, plus strand): 5'-TTCGTCCCTCAGGTGCTTGGCGTGATGATCGGGGCCGGAGTGGCGGTGGTGGTCACGGCC[G>A]TGCTCATCCTCCTGGTGGTGCGGAGGCTGCGAGTGCCAAGTGAGCACCCGAGGGGCCCCT-3'
Protein context (NP_001159586.1, residues 55-75): GAGVAVVVTA[Val65Met]LILLVVRRLR

ClinVar aggregate classification (germline): Uncertain significance (1 of 4 stars; one submission).

Conditions:
Hereditary spastic paraplegia 39 (SPG39). Also called: Spastic Paraplegia Type 39 (SPG39); SPASTIC PARAPLEGIA 39, AUTOSOMAL RECESSIVE. Identifiers: Orphanet 139480, MedGen C2677586, MONDO:0012787, OMIM 612020.

Allele frequency attached by ClinVar (database versions not stated): gnomAD exomes below 0.00001.
gnomAD v4.1: 2 of 1,581,198 alleles (0.00013%); highest among the groups gnomAD compares: Non-Finnish European, 0.000086%; no homozygotes.

Submission:

Labcorp Genetics (formerly Invitae), Labcorp
Classification: Uncertain significance for Hereditary spastic paraplegia 39. Last evaluated: 2022-05-24. Review status: criteria provided, single submitter. Criteria: Invitae Variant Classification Sherloc (09022015). Collection method: clinical testing. Allele origin: germline.
Comment: In summary, the available evidence is currently insufficient to determine the role of this variant in disease. Therefore, it has been classified as a Variant of Uncertain Significance. Algorithms developed to predict the effect of missense changes on protein structure and function are either unavailable or do not agree on the potential impact of this missense change (SIFT: "Tolerated"; PolyPhen-2: "Probably Damaging"; Align-GVGD: "Class C0"). This variant has not been reported in the literature in individuals affected with PNPLA6-related conditions. This variant is not present in population databases (gnomAD no frequency). This sequence change replaces valine, which is neutral and non-polar, with methionine, which is neutral and non-polar, at codon 26 of the PNPLA6 protein (p.Val26Met).